The following is an entry in ClinVar:

NM_000465.4(BARD1):c.1544C>G (p.Ser515Cys)

Gene: BARD1 (BRCA1 associated RING domain 1; minus strand). Cytogenetic location: 2q35.
Variant type: single nucleotide variant.
Coding change: c.1544C>G on transcript NM_000465.4 (MANE Select); coding-DNA position 1544, C replaced by G.
Protein change: p.Ser515Cys; replaces serine 515 with cysteine.
Molecular consequence: missense variant. On other transcripts: non-coding transcript variant (3), intron variant (3).
Genome position (GRCh38, 1-based): chr2:214,767,506, G>C on the plus strand (C>G on the coding strand, the complement: BARD1 is on the minus strand). VCF-style: chr2-214767506-G-C. GRCh37 (hg19) VCF-style: chr2-215632230-G-C.
Other names: c.1487C>G, p.Ser496Cys (NM_001282543.2); c.159-14951C>G (NM_001282548.2); c.216-14951C>G (NM_001282545.2); c.364+24791C>G (NM_001282549.2); short protein forms S515C, S496C.
Identifiers: ClinVar variation 406736 (VCV000406736.30), dbSNP rs746878509, ClinGen allele CA2090243.
Genomic context (GRCh38, chr2:214,767,506, plus strand): 5'-CCATTTTAAAAATAATTTTTACGTTGAACTACTTACACAGCATTTCTGGAGGCTCCATAG[G>C]AAAGTAACAGCTTGACTATATCCACATGCCCATTCTTGGCTGCATCGTGAAGTGGTGAGT-3'
Protein context (NP_000456.2, residues 505-525): GHVDIVKLLL[Ser515Cys]YGASRNAVNI

ClinVar aggregate classification (germline): Uncertain significance. Review status: criteria provided, multiple submitters, no conflicts (2 of 4 stars). 8 submissions from 8 submitters: Uncertain significance (8). Last evaluated 2025-12-15.

Conditions:
BARD1-related cancer predisposition. Identifiers: MedGen CN377756, MONDO:0700267.
Hereditary cancer-predisposing syndrome. Also called: Hereditary Cancer Syndrome; Hereditary neoplastic syndrome; Neoplastic Syndromes, Hereditary; Tumor predisposition. Identifiers: Orphanet 140162, MedGen C0027672, MeSH D009386, MONDO:0015356.
Familial cancer of breast. Also called: BREAST CANCER, FAMILIAL; Hereditary breast cancer; hereditary breast carcinoma. Identifiers: Orphanet 227535, MedGen C0346153, MONDO:0016419, OMIM 114480. Disease mechanism: loss of function.

Allele frequency attached by ClinVar (database versions not stated): gnomAD exomes 0.00001; ExAC 0.00002; TOPMed 0.00002.
gnomAD v4.1: 7 of 1,613,790 alleles (0.00043%); highest among the groups gnomAD compares: East Asian, 0.0022%; no homozygotes.

Submissions (8):

Labcorp Genetics (formerly Invitae), Labcorp
Classification: Uncertain significance for Familial cancer of breast. Last evaluated: 2025-12-15. Review status: criteria provided, single submitter. Criteria: Invitae Variant Classification Sherloc (09022015). Collection method: clinical testing. Allele origin: germline.
Comment: This sequence change replaces serine, which is neutral and polar, with cysteine, which is neutral and slightly polar, at codon 515 of the BARD1 protein (p.Ser515Cys). This variant is present in population databases (rs746878509, gnomAD 0.006%). This variant has not been reported in the literature in individuals affected with BARD1-related conditions. ClinVar contains an entry for this variant (Variation ID: 406736). An algorithm developed to predict the effect of missense changes on protein structure and function (PolyPhen-2) suggests that this variant is likely to be disruptive. In summary, the available evidence is currently insufficient to determine the role of this variant in disease. Therefore, it has been classified as a Variant of Uncertain Significance.

Ambry Genetics
Classification: Uncertain significance for Hereditary cancer-predisposing syndrome. Last evaluated: 2025-01-08. Review status: criteria provided, single submitter. Criteria: Ambry Variant Classification Scheme 2023. Collection method: clinical testing. Allele origin: germline.
Comment: The p.S515C variant (also known as c.1544C>G), located in coding exon 6 of the BARD1 gene, results from a C to G substitution at nucleotide position 1544. The serine at codon 515 is replaced by cysteine, an amino acid with dissimilar properties. This amino acid position is not well conserved in available vertebrate species. In addition, the in silico prediction for this alteration is inconclusive. Since supporting evidence is limited at this time, the clinical significance of this alteration remains unclear.

Baylor Genetics
Classification: Uncertain significance for Familial cancer of breast. Last evaluated: 2024-02-11. Review status: criteria provided, single submitter. Criteria: ACMG Guidelines, 2015. Collection method: clinical testing. Allele origin: unknown.

GeneDx
Classification: Uncertain significance. Last evaluated: 2023-07-06. Review status: criteria provided, single submitter. Criteria: GeneDx Variant Classification Process June 2021. Collection method: clinical testing. Allele origin: germline. Affected: yes.
Comment: Not observed at significant frequency in large population cohorts (gnomAD); In silico analysis supports that this missense variant has a deleterious effect on protein structure/function; Has not been previously published as pathogenic or benign to our knowledge; This variant is associated with the following publications: (PMID: 18480049)

KCCC/NGS Laboratory, Kuwait Cancer Control Center
Classification: Uncertain significance for Familial cancer of breast. Last evaluated: 2023-07-06. Review status: criteria provided, single submitter. Criteria: ACMG Guidelines, 2015. Collection method: clinical testing. Allele origin: unknown. Inheritance: Autosomal dominant inheritance. Affected: yes. Observed: 1 heterozygote.
Comment: This sequence change replaces serine, which is neutral and polar, with cysteine, which is neutral and slightly polar, at codon 515 of the BARD1 protein (p.Ser515Cys). This variant is present in population databases (rs746878509, gnomAD 0.006%). This variant has not been reported in the literature in individuals affected with BARD1-related conditions. ClinVar contains an entry for this variant (Variation ID: 406736). Algorithms developed to predict the effect of missense changes on protein structure and function are either unavailable or do not agree on the potential impact of this missense change (SIFT: "Deleterious"; PolyPhen-2: "Possibly Damaging"). In summary, the available evidence is currently insufficient to determine the role of this variant in disease. Therefore, it has been classified as a Variant of Uncertain Significance.

Color Diagnostics, LLC DBA Color Health
Classification: Uncertain significance for Hereditary cancer-predisposing syndrome. Last evaluated: 2022-09-19. Review status: criteria provided, single submitter. Criteria: ACMG Guidelines, 2015. Collection method: clinical testing. Allele origin: germline.
Comment: This missense variant replaces serine with cysteine at codon 515 of the BARD1 protein. Computational prediction suggests that this variant may not impact protein structure and function (internally defined REVEL score threshold <= 0.5, PMID: 27666373). To our knowledge, functional studies have not been reported for this variant. In a large breast cancer case-control study, this variant was identified in 1/60465 cases and 1/53460 controls; OR=0.884 (95%CI 0.055 to 14.136); p-value=1 (PMID: 33471991 - Leiden Open Variation Database DB-ID BARD1_000216). This variant has been identified in 2/251264 chromosomes in the general population by the Genome Aggregation Database (gnomAD). The available evidence is insufficient to determine the role of this variant in disease conclusively. Therefore, this variant is classified as a Variant of Uncertain Significance.

Department of Pathology and Laboratory Medicine, Sinai Health System
Classification: Uncertain significance for BARD1-related cancer predisposition. Last evaluated: 2020-03-20. Review status: criteria provided, single submitter. Criteria: ACMG Guidelines, 2015. Collection method: clinical testing. Allele origin: germline. Affected: yes.

Women's Health and Genetics/Laboratory Corporation of America, LabCorp
Classification: Uncertain significance. Last evaluated: 2020-02-07. Review status: criteria provided, single submitter. Criteria: LabCorp Variant Classification Summary - May 2015. Collection method: clinical testing. Allele origin: germline.
Comment: Variant summary: BARD1 c.1544C>G (p.Ser515Cys) results in a non-conservative amino acid change located in the Ankyrin repeat-containing domain (IPR020683) of the encoded protein sequence. Three of five in-silico tools predict a damaging effect of the variant on protein function. The variant allele was found at a frequency of 8e-06 in 251264 control chromosomes (gnomAD). The available data on variant occurrences in the general population are insufficient to allow any conclusion about variant significance. To our knowledge, no occurrence of c.1544C>G in individuals affected with Hereditary Breast and Ovarian Cancer and no experimental evidence demonstrating its impact on protein function have been reported. Three ClinVar submitters (evaluation after 2014) cite the variant as uncertain significance. Based on the evidence outlined above, the variant was classified as uncertain significance.

Literature cited by the submitters: PubMed 33471991 (cited by Color Diagnostics, LLC DBA Color Health).